The following is an entry in ClinVar:

NM_004655.4(AXIN2):c.1353C>T (p.Gly451=)

Gene: AXIN2 (axin 2; minus strand). Cytogenetic location: 17q24.1.
Variant type: single nucleotide variant.
Coding change: c.1353C>T on transcript NM_004655.4 (MANE Select); coding-DNA position 1353, C replaced by T.
Protein change: p.Gly451=; no amino-acid change (glycine 451 retained).
Molecular consequence: synonymous variant.
Genome position (GRCh38, 1-based): chr17:65,537,683, G>A on the plus strand (C>T on the coding strand, the complement: AXIN2 is on the minus strand). VCF-style: chr17-65537683-G-A. GRCh37 (hg19) VCF-style: chr17-63533801-G-A.
Other names: c.1353C>T (LRG_296t1); c.1353C>T, p.Gly451= (NM_001363813.1).
Identifiers: ClinVar variation 415217 (VCV000415217.17), dbSNP rs975950606, ClinGen allele CA16615582.
Genomic context (GRCh38, chr17:65,537,683, plus strand): 5'-GTGGTGGTGGTCCGGGGAGCGGGAGCGGGGGCTATAGCGGCCTACGCCTGGAGACTGGCA[G>A]CCAGGGGTCTTGAGGACCCTGGACAGGTGATCGTCCAGTATCGTCTGCGGGTCTTCCTCG-3'
Protein context (NP_004646.3, residues 441-461): DHLSRVLKTP[Gly451=]CQSPGVGRYS

ClinVar aggregate classification (germline): Benign/Likely benign. Review status: criteria provided, multiple submitters, no conflicts (2 of 4 stars). 3 submissions from 3 submitters: Benign (1); Likely benign (2). Last evaluated 2025-06-15.

Conditions:
Hereditary cancer-predisposing syndrome. Also called: Tumor predisposition; Neoplastic Syndromes, Hereditary; Hereditary neoplastic syndrome; Hereditary Cancer Syndrome. Identifiers: Orphanet 140162, MedGen C0027672, MeSH D009386, MONDO:0015356.
Oligodontia-cancer predisposition syndrome. Also called: TOOTH AGENESIS-COLORECTAL CANCER SYNDROME. Identifiers: Orphanet 300576, MedGen C1837750, MONDO:0012075, OMIM 608615. Disease mechanism: loss of function.

Allele frequency attached by ClinVar (database versions not stated): gnomAD exomes below 0.00001 and 0.00001; TOPMed 0.00002; gnomAD 0.00003.
gnomAD v4.1: 7 of 1,557,324 alleles (0.00045%); highest among the groups gnomAD compares: African/African-American, 0.0041%; no homozygotes.

Submissions (3):

Labcorp Genetics (formerly Invitae), Labcorp
Classification: Likely benign for Oligodontia-cancer predisposition syndrome. Last evaluated: 2025-06-15. Review status: criteria provided, single submitter. Criteria: Invitae Variant Classification Sherloc (09022015). Collection method: clinical testing. Allele origin: germline.

Myriad Genetics, Inc.
Classification: Benign for Oligodontia-cancer predisposition syndrome. Last evaluated: 2024-07-02. Review status: criteria provided, single submitter. Criteria: Myriad Autosomal Dominant, Autosomal Recessive and X-Linked Classification Criteria (2023). Collection method: clinical testing. Allele origin: unknown.
Comment: This variant is considered benign. This variant is a silent/synonymous amino acid change and it is not expected to impact splicing.

Ambry Genetics
Classification: Likely benign for Hereditary cancer-predisposing syndrome. Last evaluated: 2019-06-14. Review status: criteria provided, single submitter. Criteria: Ambry Variant Classification Scheme 2023. Collection method: clinical testing. Allele origin: germline.